The following is an entry in ClinVar:

ClinVar aggregate classification (germline): Uncertain significance (1 of 4 stars; one submission).

Submission:

Women's Health and Genetics/Laboratory Corporation of America, LabCorp
Classification: Uncertain significance. Last evaluated: 2023-08-17. Review status: criteria provided, single submitter. Criteria: LabCorp Variant Classification Summary - May 2015. Collection method: clinical testing. Allele origin: germline.
Comment: Variant summary: TH c.1083C>G (p.His361Gln) results in a non-conservative amino acid change located in the aromatic amino acid hydroxylase, C-terminal (IPR019774) of the encoded protein sequence. Four of five in-silico tools predict a damaging effect of the variant on protein function. The variant was absent in 220144 control chromosomes (gnomAD). The available data on variant occurrences in the general population are insufficient to allow any conclusion about variant significance. c.1083C>G has been reported in the literature in individuals affected with dopa-responsive dystonia/Segawa Syndrome, Autosomal Recessive (examples: Strauss_ 2018, Chen_ 2020). These report(s) do not provide unequivocal conclusions about association of the variant with Segawa Syndrome, Autosomal Recessive. To our knowledge, no experimental evidence demonstrating an impact on protein function has been reported. The following publications have been ascertained in the context of this evaluation (PMID: 32185155, 28726809). No submitters have cited clinical-significance assessments for this variant to ClinVar after 2014. Based on the evidence outlined above, the variant was classified as uncertain significance.

Literature cited by the submitters: PubMed 28726809; PubMed 32185155.

NM_000360.4(TH):c.990C>G (p.His330Gln)

Gene: TH (tyrosine hydroxylase; minus strand). Cytogenetic location: 11p15.5.
Variant type: single nucleotide variant.
Coding change: c.990C>G on transcript NM_000360.4 (MANE Select); coding-DNA position 990, C replaced by G.
Protein change: p.His330Gln; replaces histidine 330 with glutamine.
Molecular consequence: missense variant.
Genome position (GRCh38, 1-based): chr11:2,166,537, G>C on the plus strand (C>G on the coding strand, the complement: TH is on the minus strand). VCF-style: chr11-2166537-G-C. GRCh37 (hg19) VCF-style: chr11-2187767-G-C.
Other names: c.1071C>G, p.His357Gln (NM_199293.3); c.1083C>G, p.His361Gln (NM_199292.3); short protein forms H330Q, H357Q, H361Q.
Identifiers: ClinVar variation 2581193 (VCV002581193.1), dbSNP rs760420202, ClinGen allele CA379126042.